The following is an entry in ClinVar:

NM_001330723.2(SNX27):c.1492C>T (p.Arg498Ter)

Gene: SNX27 (sorting nexin 27; plus strand). Cytogenetic location: 1q21.3.
Variant type: single nucleotide variant.
Coding change: c.1492C>T on transcript NM_001330723.2 (MANE Select); coding-DNA position 1492, C replaced by T.
Protein change: p.Arg498Ter; replaces arginine 498 with a stop codon.
Molecular consequence: nonsense.
Genome position (GRCh38, 1-based): chr1:151,693,013, C>T. VCF-style: chr1-151693013-C-T. GRCh37 (hg19) VCF-style: chr1-151665489-C-T.
Other names: c.1492C>T, p.Arg498Ter (NM_030918.6); short protein forms R498*.
Identifiers: ClinVar variation 2021048 (VCV002021048.4), dbSNP rs1571881557, ClinGen allele CA341973317.

ClinVar aggregate classification (germline): Pathogenic (1 of 4 stars; one submission).

Conditions:
Severe myoclonic epilepsy in infancy (DRVT). Also called: SEVERE MYOCLONIC EPILEPSY OF INFANCY; DEVELOPMENTAL AND EPILEPTIC ENCEPHALOPATHY 6A; Severe Myoclonic Epilepsy in Infancy (SMEI); Epileptic encephalopathy, early infantile, 6 (Dravet syndrome); Dravet syndrome. Identifiers: Orphanet 33069, MedGen C0751122, MONDO:0100135, OMIM 607208.

Allele frequency attached by ClinVar (database versions not stated): gnomAD exomes below 0.00001; TOPMed 0.00001.

Submission:

Labcorp Genetics (formerly Invitae), Labcorp
Classification: Pathogenic for Severe myoclonic epilepsy in infancy. Last evaluated: 2024-05-21. Review status: criteria provided, single submitter. Criteria: Invitae Variant Classification Sherloc (09022015). Collection method: clinical testing. Allele origin: germline.
Comment: This sequence change creates a premature translational stop signal (p.Arg498*) in the SNX27 gene. It is expected to result in an absent or disrupted protein product. Loss-of-function variants in SNX27 are known to be pathogenic (PMID: 25894286). This variant is not present in population databases (gnomAD no frequency). This variant has not been reported in the literature in individuals affected with SNX27-related conditions. ClinVar contains an entry for this variant (Variation ID: 2021048). For these reasons, this variant has been classified as Pathogenic.

Literature cited by the submitters: PubMed 25894286.